The following is an entry in ClinVar:

NM_000718.4(CACNA1B):c.3346G>A (p.Val1116Met)

Genes: CACNA1B (calcium voltage-gated channel subunit alpha1 B; plus strand), LOC101928786 (uncharacterized LOC101928786; minus strand). Cytogenetic location: 9q34.3.
Variant type: single nucleotide variant.
Coding change: c.3346G>A on transcript NM_000718.4 (MANE Select); coding-DNA position 3346, G replaced by A.
Protein change: p.Val1116Met; replaces valine 1116 with methionine.
Molecular consequence: missense variant.
Genome position (GRCh38, 1-based): chr9:138,043,833, G>A. VCF-style: chr9-138043833-G-A. GRCh37 (hg19) VCF-style: chr9-140938285-G-A.
Other names: c.3346G>A, p.Val1116Met (NM_001243812.2); c.3346G>A (NM_000718.3); short protein forms V1116M.
Identifiers: ClinVar variation 2169903 (VCV002169903.3), dbSNP rs201934357, ClinGen allele CA5376630.

ClinVar aggregate classification (germline): Uncertain significance. Review status: criteria provided, multiple submitters, no conflicts (2 of 4 stars). 3 submissions from 3 submitters: Uncertain significance (3). Last evaluated 2025-05-07.

Allele frequency attached by ClinVar (database versions not stated): ExAC 0.00008; gnomAD 0.00008; ESP Exome Variant Server 0.00016.
gnomAD v4.1: 67 of 1,613,868 alleles (0.0042%); highest among the groups gnomAD compares: South Asian, 0.015%; 1 homozygote.

Submissions (3):

Women's Health and Genetics/Laboratory Corporation of America, LabCorp
Classification: Uncertain significance. Last evaluated: 2025-05-07. Review status: criteria provided, single submitter. Criteria: LabCorp Variant Classification Summary - May 2015. Collection method: clinical testing. Allele origin: germline.
Comment: Variant summary: CACNA1B c.3346G>A (p.Val1116Met) results in a conservative amino acid change in the encoded protein sequence. Algorithms developed to predict the effect of missense changes on protein structure and function all suggest that this variant is likely to be tolerated. The variant allele was found at a frequency of 5.6e-05 in 249318 control chromosomes. This frequency is not significantly higher than estimated for a pathogenic variant in CACNA1B causing Neurodevelopmental Disorder With Seizures And Nonepileptic Hyperkinetic Movements, allowing no conclusion about variant significance. To our knowledge, no occurrence of c.3346G>A in individuals affected with Neurodevelopmental Disorder With Seizures And Nonepileptic Hyperkinetic Movements and no experimental evidence demonstrating its impact on protein function have been reported. ClinVar contains an entry for this variant (Variation ID: 2169903). Based on the evidence outlined above, the variant was classified as uncertain significance.

Labcorp Genetics (formerly Invitae), Labcorp
Classification: Uncertain significance. Last evaluated: 2021-12-19. Review status: criteria provided, single submitter. Criteria: Invitae Variant Classification Sherloc (09022015). Collection method: clinical testing. Allele origin: germline.
Comment: This sequence change replaces valine, which is neutral and non-polar, with methionine, which is neutral and non-polar, at codon 1116 of the CACNA1B protein (p.Val1116Met). This variant is present in population databases (rs201934357, gnomAD 0.02%). This variant has not been reported in the literature in individuals affected with CACNA1B-related conditions. Advanced modeling of protein sequence and biophysical properties (such as structural, functional, and spatial information, amino acid conservation, physicochemical variation, residue mobility, and thermodynamic stability) performed at Invitae indicates that this missense variant is not expected to disrupt CACNA1B protein function. In summary, the available evidence is currently insufficient to determine the role of this variant in disease. Therefore, it has been classified as a Variant of Uncertain Significance.

Ambry Genetics
Classification: Uncertain significance. Last evaluated: 2021-10-29. Review status: criteria provided, single submitter. Criteria: Ambry Variant Classification Scheme 2023. Collection method: clinical testing. Allele origin: germline.